The following is an entry in ClinVar:

ClinVar aggregate classification (germline): Pathogenic (1 of 4 stars; one submission).

Conditions:
Tuberous sclerosis 2 (TSC2). Identifiers: Orphanet 805, MedGen C1860707, MONDO:0013199, OMIM 613254.

Submission:

Labcorp Genetics (formerly Invitae), Labcorp
Classification: Pathogenic for Tuberous sclerosis 2. Last evaluated: 2023-09-30. Review status: criteria provided, single submitter. Criteria: Invitae Variant Classification Sherloc (09022015). Collection method: clinical testing. Allele origin: germline.
Comment: This sequence change creates a premature translational stop signal (p.Asp1424Glyfs*100) in the TSC2 gene. It is expected to result in an absent or disrupted protein product. Loss-of-function variants in TSC2 are known to be pathogenic (PMID: 10205261, 17304050). For these reasons, this variant has been classified as Pathogenic. Algorithms developed to predict the effect of sequence changes on RNA splicing suggest that this variant may create or strengthen a splice site. This variant has not been reported in the literature in individuals affected with TSC2-related conditions. This variant is not present in population databases (gnomAD no frequency).

Literature cited by the submitters: PubMed 10205261; PubMed 17304050.

NM_000548.5(TSC2):c.4270dup (p.Asp1424fs)

Gene: TSC2 (TSC complex subunit 2; plus strand). Cytogenetic location: 16p13.3.
Variant type: Duplication.
Coding change: c.4270dup on transcript NM_000548.5 (MANE Select); coding-DNA position 4270, one base duplicated (G; older notation c.4270dupG).
Protein change: p.Asp1424fs; shifts the reading frame from aspartic acid 1424.
Molecular consequence: frameshift variant. On other transcripts: non-coding transcript variant (5).
Genome position (GRCh38, 1-based): chr16:2,084,492, G duplicated; the last of 2 consecutive G bases (chr16:2,084,491-2,084,492); duplicating either gives the same sequence. VCF-style (leftmost placement, unchanged base first): chr16-2084490-T-TG. GRCh37 (hg19) VCF-style: chr16-2134491-T-TG.
Other names: c.4069dup, p.Asp1357fs (NM_001077183.3); c.4201dup, p.Asp1401fs (NM_001114382.3); c.3961dup, p.Asp1321fs (NM_001318827.2); c.3925dup, p.Asp1309fs (NM_001318829.2); c.3538dup, p.Asp1180fs (NM_001318831.2); c.4102dup, p.Asp1368fs (NM_001318832.2); c.4072dup, p.Asp1358fs (NM_001363528.2); c.4138dup, p.Asp1380fs (NM_001370404.1); and 26 more; short protein forms D1158fs, D1180fs, D1201fs, D1309fs, D1351fs, D1387fs, D909fs, D910fs.
Identifiers: ClinVar variation 2764504 (VCV002764504.3), dbSNP rs2544273738, ClinGen allele CA2697549579.
Genomic context (GRCh38, chr16:2,084,490, plus strand): 5'-ACAAGGCCGACGTGGGCCGGCTGAGCCCTGAGGTTAAGGCCCGGTCACAGTCAGGGACCC[T>TG]GGACGGGGAAAGTGCTGCCTGGTCGGCCTCGGGCGAAGACAGTCGGGGCCAGCCCGAGGG-3'